The following is an entry in ClinVar:

NM_000090.4(COL3A1):c.4100A>G (p.Asn1367Ser)

Gene: COL3A1 (collagen type III alpha 1 chain; plus strand). Cytogenetic location: 2q32.2.
Variant type: single nucleotide variant.
Coding change: c.4100A>G on transcript NM_000090.4 (MANE Select); coding-DNA position 4100, A replaced by G.
Protein change: p.Asn1367Ser; replaces asparagine 1367 with serine.
Molecular consequence: missense variant.
Genome position (GRCh38, 1-based): chr2:189,010,736, A>G. VCF-style: chr2-189010736-A-G. GRCh37 (hg19) VCF-style: chr2-189875462-A-G.
Other names: short protein forms N1367S.
Identifiers: ClinVar variation 925650 (VCV000925650.14), dbSNP rs746580509, ClinGen allele CA076455.

ClinVar aggregate classification (germline): Conflicting classifications of pathogenicity. Review status: criteria provided, conflicting classifications (1 of 4 stars). 6 submissions from 6 submitters: Uncertain significance (5); Likely benign (1). Last evaluated 2026-07-01.

Conditions:
Ehlers-Danlos syndrome, type 4 (EDSVASC). Also called: Ehlers-Danlos syndrome vascular type; Ehlers Danlos syndrome, ecchymotic type; Ehlers Danlos syndrome, arterial type; Ehlers Danlos syndrome, Sack-Barabas type; Ehlers-Danlos Syndrome Type IV. Identifiers: Orphanet 286, MedGen C0268338, MONDO:0017314, OMIM 130050.
Familial thoracic aortic aneurysm and aortic dissection (TAAD). Also called: Thoracic aortic aneurysms and dissections. Identifiers: Orphanet 91387, MedGen C4707243, MONDO:0019625.

Allele frequency attached by ClinVar (database versions not stated): gnomAD exomes below 0.00001 and 0.00001; ExAC 0.00002.
gnomAD v4.1: 5 of 1,614,156 alleles (0.00031%); highest among the groups gnomAD compares: Middle Eastern, 0.016%; no homozygotes.

Submissions (6):

CeGaT Center for Human Genetics Tuebingen
Classification: Uncertain significance. Last evaluated: 2026-07-01. Review status: criteria provided, single submitter. Criteria: CeGaT Center For Human Genetics Tuebingen Variant Classification Criteria Version 2. Collection method: clinical testing. Allele origin: germline. Affected: yes. Observed: 1 variant allele.
Comment: COL3A1: PM2

Ambry Genetics
Classification: Likely benign for Familial thoracic aortic aneurysm and aortic dissection. Last evaluated: 2026-02-14. Review status: criteria provided, single submitter. Criteria: Ambry Variant Classification Scheme 2023. Collection method: clinical testing. Allele origin: germline.

Labcorp Genetics (formerly Invitae), Labcorp
Classification: Uncertain significance for Ehlers-Danlos syndrome, type 4. Last evaluated: 2024-09-08. Review status: criteria provided, single submitter. Criteria: Invitae Variant Classification Sherloc (09022015). Collection method: clinical testing. Allele origin: germline.
Comment: This sequence change replaces asparagine, which is neutral and polar, with serine, which is neutral and polar, at codon 1367 of the COL3A1 protein (p.Asn1367Ser). This variant is present in population databases (rs746580509, gnomAD 0.009%). This variant has not been reported in the literature in individuals affected with COL3A1-related conditions. ClinVar contains an entry for this variant (Variation ID: 925650). Invitae Evidence Modeling of protein sequence and biophysical properties (such as structural, functional, and spatial information, amino acid conservation, physicochemical variation, residue mobility, and thermodynamic stability) indicates that this missense variant is not expected to disrupt COL3A1 protein function with a negative predictive value of 95%. In summary, the available evidence is currently insufficient to determine the role of this variant in disease. Therefore, it has been classified as a Variant of Uncertain Significance.

All of Us Research Program, National Institutes of Health
Classification: Uncertain significance for Ehlers-Danlos syndrome, type 4. Last evaluated: 2024-07-20. Review status: criteria provided, single submitter. Criteria: ACMG Guidelines, 2015. Collection method: clinical testing. Allele origin: germline. Inheritance: Autosomal dominant inheritance. Observed: 2 variant alleles, 2 heterozygotes.
Comment: Variant of Uncertain Significance due to insufficient evidence: This missense variant replaces asparagine with serine at codon 1367 of the COL3A1 protein. Computational prediction tools and conservation analyses are inconclusive regarding the impact of this variant on the protein function. Computational splicing tools suggest that this variant may not impact RNA splicing. To our knowledge, functional assays have not been performed for this variant nor has this variant been reported in individuals affected with cardiovascular disorders in the literature. This variant has been identified in 3/251190 chromosomes in the general population by the Genome Aggregation Database (gnomAD). Available evidence is insufficient to determine the role of this variant in disease conclusively.

This study involves interpretation of variants in research participants for the purpose of population health screening. Participant phenotype was not available at the time of variant classification. Additional details can be found in publication PMID: 35346344, PMCID: PMC8962531

GeneDx
Classification: Uncertain significance. Last evaluated: 2024-04-05. Review status: criteria provided, single submitter. Criteria: GeneDx Variant Classification Process June 2021. Collection method: clinical testing. Allele origin: germline. Affected: yes.
Comment: Not observed at significant frequency in large population cohorts (gnomAD); In silico analysis supports that this missense variant has a deleterious effect on protein structure/function; Has not been previously published as pathogenic or benign to our knowledge

Color Diagnostics, LLC DBA Color Health
Classification: Uncertain significance for Familial thoracic aortic aneurysm and aortic dissection. Last evaluated: 2023-12-05. Review status: criteria provided, single submitter. Criteria: ACMG Guidelines, 2015. Collection method: clinical testing. Allele origin: germline.
Comment: Variant of Uncertain Significance due to insufficient evidence: This missense variant replaces asparagine with serine at codon 1367 of the COL3A1 protein. Computational prediction tools and conservation analyses are inconclusive regarding the impact of this variant on the protein function. Computational splicing tools suggest that this variant may not impact RNA splicing. To our knowledge, functional assays have not been performed for this variant nor has this variant been reported in individuals affected with cardiovascular disorders in the literature. This variant has been identified in 3/251190 chromosomes in the general population by the Genome Aggregation Database (gnomAD). Available evidence is insufficient to determine the role of this variant in disease conclusively.